The following is an entry in ClinVar:

NM_000836.4(GRIN2D):c.3238G>A (p.Gly1080Arg)

Gene: GRIN2D (glutamate ionotropic receptor NMDA type subunit 2D; plus strand). Cytogenetic location: 19q13.33.
Variant type: single nucleotide variant.
Coding change: c.3238G>A on transcript NM_000836.4 (MANE Select); coding-DNA position 3238, G replaced by A.
Protein change: p.Gly1080Arg; replaces glycine 1080 with arginine.
Molecular consequence: missense variant.
Genome position (GRCh38, 1-based): chr19:48,443,164, G>A. VCF-style: chr19-48443164-G-A. GRCh37 (hg19) VCF-style: chr19-48946421-G-A.
Other names: short protein forms G1080R.
Identifiers: ClinVar variation 3636284 (VCV003636284.2).

ClinVar aggregate classification (germline): Uncertain significance (1 of 4 stars; one submission).

gnomAD v4.1: 2 of 1,010,010 alleles (0.0002%); highest among the groups gnomAD compares: Non-Finnish European, 0.00024%; no homozygotes.

Submission:

Labcorp Genetics (formerly Invitae), Labcorp
Classification: Uncertain significance. Last evaluated: 2024-07-16. Review status: criteria provided, single submitter. Criteria: Invitae Variant Classification Sherloc (09022015). Collection method: clinical testing. Allele origin: germline.
Comment: This sequence change replaces glycine, which is neutral and non-polar, with arginine, which is basic and polar, at codon 1080 of the GRIN2D protein (p.Gly1080Arg). The frequency data for this variant in the population databases is considered unreliable, as metrics indicate insufficient coverage at this position in the gnomAD database. This variant has not been reported in the literature in individuals affected with GRIN2D-related conditions. Advanced modeling of protein sequence and biophysical properties (such as structural, functional, and spatial information, amino acid conservation, physicochemical variation, residue mobility, and thermodynamic stability) performed at Invitae indicates that this missense variant is not expected to disrupt GRIN2D protein function with a negative predictive value of 95%. In summary, the available evidence is currently insufficient to determine the role of this variant in disease. Therefore, it has been classified as a Variant of Uncertain Significance.